The following is an entry in ClinVar:

ClinVar aggregate classification (germline): Likely pathogenic (1 of 4 stars; one submission).

Conditions:
Baller-Gerold syndrome (BGS). Also called: CRANIOSYNOSTOSIS WITH RADIAL DEFECTS. Identifiers: Orphanet 1225, MedGen C0265308, MONDO:0009039, OMIM 218600.

Allele frequency attached by ClinVar (database versions not stated): gnomAD exomes below 0.00001.
gnomAD v4.1: 1 of 1,607,090 alleles (0.000062%); highest among the groups gnomAD compares: South Asian, 0.0011%; no homozygotes.

Submission:

Labcorp Genetics (formerly Invitae), Labcorp
Classification: Likely pathogenic for Baller-Gerold syndrome. Last evaluated: 2024-11-04. Review status: criteria provided, single submitter. Criteria: Invitae Variant Classification Sherloc (09022015). Collection method: clinical testing. Allele origin: germline.
Comment: This sequence change affects a donor splice site in intron 17 of the RECQL4 gene. It is expected to disrupt RNA splicing. Variants that disrupt the donor or acceptor splice site typically lead to a loss of protein function (PMID: 16199547), and loss-of-function variants in RECQL4 are known to be pathogenic (PMID: 12734318, 12952869). This variant is not present in population databases (gnomAD no frequency). This variant has not been reported in the literature in individuals affected with RECQL4-related conditions. ClinVar contains an entry for this variant (Variation ID: 1467043). Algorithms developed to predict the effect of sequence changes on RNA splicing suggest that this variant may disrupt the consensus splice site. In summary, the currently available evidence indicates that the variant is pathogenic, but additional data are needed to prove that conclusively. Therefore, this variant has been classified as Likely Pathogenic.

Literature cited by the submitters: PubMed 16199547; PubMed 12734318; PubMed 12952869.

NM_004260.4(RECQL4):c.3055+2T>C

Gene: RECQL4 (RecQ like helicase 4; minus strand). Cytogenetic location: 8q24.3.
Variant type: single nucleotide variant.
Coding change: c.3055+2T>C on transcript NM_004260.4 (MANE Select); the canonical splice donor site of the intron after coding-DNA position 3055, T replaced by C.
Molecular consequence: splice donor variant.
Genome position (GRCh38, 1-based): chr8:144,512,390, A>G on the plus strand (T>C on the coding strand, the complement: RECQL4 is on the minus strand). VCF-style: chr8-144512390-A-G. GRCh37 (hg19) VCF-style: chr8-145737773-A-G.
Other names: c.2926+2T>C (NM_001413025.1); c.2704+2T>C (NM_001413029.1); c.1918+2T>C (NM_001413032.1, NM_001413027.1, NM_001413030.1); c.1984+2T>C (NM_001413035.1, NM_001413040.1, NM_001413021.1 and 4 more transcripts); c.2761+2T>C (NM_001413017.1); c.2959+2T>C (NM_001413020.1); c.3025+2T>C (NM_001413039.1); c.2923+2T>C (NM_001413033.1); and 9 more.
Identifiers: ClinVar variation 1467043 (VCV001467043.6), dbSNP rs2130661643, ClinGen allele CA372671061.